The following is an entry in ClinVar:

NM_032436.4(CHAMP1):c.1170del (p.Ser389_Trp390insTer)

Gene: CHAMP1 (chromosome alignment maintaining phosphoprotein 1; plus strand). Cytogenetic location: 13q34.
Variant type: Deletion.
Coding change: c.1170del on transcript NM_032436.4 (MANE Select); coding-DNA position 1170, one base deleted (G; older notation c.1170delG).
Protein change: p.Ser389_Trp390insTer.
Molecular consequence: nonsense.
Genome position (GRCh38, 1-based): chr13:114,325,012, G deleted; the last of 2 consecutive G bases (chr13:114,325,011-114,325,012); deleting either gives the same sequence. VCF-style (leftmost placement, unchanged base first): chr13-114325010-TG-T. GRCh37 (hg19) VCF-style: chr13-115090485-TG-T.
Other names: c.1170del, p.Ser389_Trp390insTer (NM_001164144.3, NM_001164145.3).
Identifiers: ClinVar variation 3491873 (VCV003491873.1).
Genomic context (GRCh38, chr13:114,325,010, plus strand): 5'-TGGAAATCTTCATCAGTCTCACCCAGCTCCTGGAAGTCTCCCCCTGCATCTCCTGAGTCA[TG>T]GAAGTCTGGCCCACCAGAACTCCGAAAGACAGCTCCCACGTTGTCTCCTGAACATTGGAA-3'

ClinVar aggregate classification (germline): Pathogenic (1 of 4 stars; one submission).

Conditions:
Inborn genetic diseases. Identifiers: MedGen C0950123, MeSH D030342.

Submission:

Ambry Genetics
Classification: Pathogenic for Inborn genetic diseases. Last evaluated: 2024-09-11. Review status: criteria provided, single submitter. Criteria: Ambry Variant Classification Scheme 2023. Collection method: clinical testing. Allele origin: germline.
Comment: The c.1170delG (p.W390*) alteration, located in exon 3 (coding exon 1) of the CHAMP1 gene, consists of a deletion of one nucleotide at position 1170, causing a translational frameshift with a predicted alternate stop codon at amino acid 390. Premature stop codons are typically deleterious in nature; however, this alteration occurs in the only coding exon of the CHAMP1 gene, and as a result, is not expected to trigger nonsense-mediated mRNA decay and a truncated protein could still be expressed (Maquat, 2004). This alteration removes the last 52% of the protein and the exact functional impact of this alteration is unknown at this time. This variant was not reported in population-based cohorts in the Genome Aggregation Database (gnomAD). Based on the available evidence, this alteration is classified as pathogenic.